The following is an entry in ClinVar:

NM_022168.4(IFIH1):c.2323A>G (p.Ile775Val)

Gene: IFIH1 (interferon induced with helicase C domain 1; minus strand). Cytogenetic location: 2q24.2.
Variant type: single nucleotide variant.
Coding change: c.2323A>G on transcript NM_022168.4 (MANE Select); coding-DNA position 2323, A replaced by G.
Protein change: p.Ile775Val; replaces isoleucine 775 with valine.
Molecular consequence: missense variant.
Genome position (GRCh38, 1-based): chr2:162,273,926, T>C on the plus strand (A>G on the coding strand, the complement: IFIH1 is on the minus strand). VCF-style: chr2-162273926-T-C. GRCh37 (hg19) VCF-style: chr2-163130436-T-C.
Other names: short protein forms I775V.
Identifiers: ClinVar variation 1497820 (VCV001497820.8), dbSNP rs1691096839, ClinGen allele CA348996040.

ClinVar aggregate classification (germline): Uncertain significance (1 of 4 stars; one submission).

Conditions:
Aicardi-Goutieres syndrome 7 (AGS7). Identifiers: Orphanet 51, MedGen C3888244, MONDO:0014367, OMIM 615846.
Singleton-Merten syndrome 1 (SGMRT1). Also called: Widened medullary cavities of bone, aortic calcification, abnormal dentition, and muscular weakness; Syndrome of widened medullary cavities of the metacarpals and phalanges, aortic calcification and abnormal dentition. Identifiers: Orphanet 85191, MedGen C4225427, MONDO:0024535, OMIM 182250.

Allele frequency attached by ClinVar (database versions not stated): gnomAD exomes below 0.00001.
gnomAD v4.1: 2 of 1,604,212 alleles (0.00012%); highest among the groups gnomAD compares: South Asian, 0.0011%; no homozygotes.

Submission:

Labcorp Genetics (formerly Invitae), Labcorp
Classification: Uncertain significance for Aicardi-Goutieres syndrome 7; Singleton-Merten syndrome 1. Last evaluated: 2022-02-02. Review status: criteria provided, single submitter. Criteria: Invitae Variant Classification Sherloc (09022015). Collection method: clinical testing. Allele origin: germline.
Comment: This variant has not been reported in the literature in individuals affected with IFIH1-related conditions. This variant is not present in population databases (gnomAD no frequency). This sequence change replaces isoleucine, which is neutral and non-polar, with valine, which is neutral and non-polar, at codon 775 of the IFIH1 protein (p.Ile775Val). In summary, the available evidence is currently insufficient to determine the role of this variant in disease. Therefore, it has been classified as a Variant of Uncertain Significance. Algorithms developed to predict the effect of missense changes on protein structure and function are either unavailable or do not agree on the potential impact of this missense change (SIFT: "Tolerated"; PolyPhen-2: "Possibly Damaging"; Align-GVGD: "Class C0").